The following is an entry in ClinVar:

NM_024408.4(NOTCH2):c.4115G>A (p.Arg1372Gln)

Gene: NOTCH2 (notch receptor 2; minus strand). Cytogenetic location: 1p12.
Variant type: single nucleotide variant.
Coding change: c.4115G>A on transcript NM_024408.4 (MANE Select); coding-DNA position 4115, G replaced by A.
Protein change: p.Arg1372Gln; replaces arginine 1372 with glutamine.
Molecular consequence: missense variant.
Genome position (GRCh38, 1-based): chr1:119,925,701, C>T on the plus strand (G>A on the coding strand, the complement: NOTCH2 is on the minus strand). VCF-style: chr1-119925701-C-T. GRCh37 (hg19) VCF-style: chr1-120468324-C-T.
Other names: c.4115G>A (NM_024408.3); short protein forms R1372Q.
Identifiers: ClinVar variation 2085492 (VCV002085492.14), dbSNP rs587610159, ClinGen allele CA1039910.
Genomic context (GRCh38, chr1:119,925,701, plus strand): 5'-TGAGGGTGGCAGCTGCCCCCGTGCTGGCAGGGGCTACTGGCACAGCCTGACTCGCAGTCC[C>T]GGGGACTGGGGCAGAAGCAGCGGGGTCCAGAGGCGGTGTGCACACACTGCTCCCCCTTCC-3'
Protein context (NP_077719.2, residues 1362-1382): SGPRCFCPSP[Arg1372Gln]DCESGCASSP

ClinVar aggregate classification (germline): Conflicting classifications of pathogenicity. Review status: criteria provided, conflicting classifications (1 of 4 stars). 5 submissions from 5 submitters: Uncertain significance (4); Likely benign (1). Last evaluated 2026-01-21.

Conditions:
NOTCH2-related disorder. Also called: NOTCH2-related condition.
Hajdu-Cheney syndrome (HJCYS). Also called: ACROOSTEOLYSIS WITH OSTEOPOROSIS AND CHANGES IN SKULL AND MANDIBLE; Acroosteolysis dominant type; SERPENTINE FIBULA-POLYCYSTIC KIDNEY SYNDROME. Identifiers: Orphanet 955, MedGen C0917715, MONDO:0007057, OMIM 102500.
Alagille syndrome due to a NOTCH2 point mutation. Also called: Alagille syndrome 2. Identifiers: Orphanet 261629, Orphanet 52, MedGen C1857761, MONDO:0012439, OMIM 610205.

Allele frequency attached by ClinVar (database versions not stated): ExAC 0.00003; TOPMed 0.00003; gnomAD exomes 0.00004; gnomAD 0.00005; 1000 Genomes Project 0.00020; 1000 Genomes Project 30x 0.00031.
gnomAD v4.1: 61 of 1,612,746 alleles (0.0038%); highest among the groups gnomAD compares: Middle Eastern, 0.099%; 1 homozygote.

Submissions (5):

Women's Health and Genetics/Laboratory Corporation of America, LabCorp
Classification: Uncertain significance. Last evaluated: 2026-01-21. Review status: criteria provided, single submitter. Criteria: LabCorp Variant Classification Summary - May 2015. Collection method: clinical testing. Allele origin: germline.
Comment: Variant summary: NOTCH2 c.4115G>A (p.Arg1372Gln) results in a conservative amino acid change in the encoded protein sequence. Algorithms developed to predict the effect of missense changes on protein structure and function all suggest that this variant is likely to be tolerated. The variant allele was found at a frequency of 2e-05 in 248590 control chromosomes. The available data on variant occurrences in the general population are insufficient to allow any conclusion about variant significance. To our knowledge, no occurrence of c.4115G>A in individuals affected with NOTCH2-related conditions and no experimental evidence demonstrating its impact on protein function have been reported. ClinVar contains an entry for this variant (Variation ID: 2085492). Based on the evidence outlined above, the variant was classified as uncertain significance.

PreventionGenetics, part of Exact Sciences
Classification: Uncertain significance for NOTCH2-related condition. Last evaluated: 2025-12-29. Review status: criteria provided, single submitter. Criteria: ACMG Guidelines, 2015. Collection method: clinical testing. Allele origin: germline.
Comment: The NOTCH2 c.4115G>A variant is predicted to result in the amino acid substitution p.Arg1372Gln. To our knowledge, this variant has not been reported in the literature. This variant is reported in 0.0082% of alleles in individuals of African descent in gnomAD. At this time, the clinical significance of this variant is uncertain due to the absence of conclusive functional and genetic evidence.

Labcorp Genetics (formerly Invitae), Labcorp
Classification: Uncertain significance for Hajdu-Cheney syndrome. Last evaluated: 2025-12-09. Review status: criteria provided, single submitter. Criteria: Invitae Variant Classification Sherloc (09022015). Collection method: clinical testing. Allele origin: germline.
Comment: This sequence change replaces arginine, which is basic and polar, with glutamine, which is neutral and polar, at codon 1372 of the NOTCH2 protein (p.Arg1372Gln). This variant is present in population databases (rs587610159, gnomAD 0.008%). This variant has not been reported in the literature in individuals affected with NOTCH2-related conditions. ClinVar contains an entry for this variant (Variation ID: 2085492). Invitae Evidence Modeling of protein sequence and biophysical properties (such as structural, functional, and spatial information, amino acid conservation, physicochemical variation, residue mobility, and thermodynamic stability) indicates that this missense variant is not expected to disrupt NOTCH2 protein function with a negative predictive value of 80%. In summary, the available evidence is currently insufficient to determine the role of this variant in disease. Therefore, it has been classified as a Variant of Uncertain Significance.

CeGaT Center for Human Genetics Tuebingen
Classification: Likely benign. Last evaluated: 2025-04-01. Review status: criteria provided, single submitter. Criteria: CeGaT Center For Human Genetics Tuebingen Variant Classification Criteria Version 2. Collection method: clinical testing. Allele origin: germline. Affected: yes. Observed: 1 variant allele.
Comment: NOTCH2: BP4, BS2

Fulgent Genetics
Classification: Uncertain significance for Hajdu-Cheney syndrome; Alagille syndrome due to a NOTCH2 point mutation. Last evaluated: 2024-03-08. Review status: criteria provided, single submitter. Criteria: ACMG Guidelines, 2015. Collection method: clinical testing. Allele origin: germline.